The following is an entry in ClinVar:

ClinVar aggregate classification (germline): Uncertain significance (1 of 4 stars; one submission).

Conditions:
Familial sleep-related hypermotor epilepsy. Also called: Autosomal Dominant Sleep-Related Hypermotor (Hyperkinetic) Epilepsy. Identifiers: Orphanet 98784, MedGen C3696898, MONDO:0000030.

Submission:

Labcorp Genetics (formerly Invitae), Labcorp
Classification: Uncertain significance. Last evaluated: 2025-01-06. Review status: criteria provided, single submitter. Criteria: Invitae Variant Classification Sherloc (09022015). Collection method: clinical testing. Allele origin: germline.
Comment: This sequence change creates a premature translational stop signal (p.Phe170Serfs*8) in the CHRNA4 gene. It is expected to result in an absent or disrupted protein product. However, the current clinical and genetic evidence is not sufficient to establish whether loss-of-function variants in CHRNA4 cause disease. This variant is not present in population databases (gnomAD no frequency). This variant has not been reported in the literature in individuals affected with CHRNA4-related conditions. ClinVar contains an entry for this variant (Variation ID: 1512694). In summary, the available evidence is currently insufficient to determine the role of this variant in disease. Therefore, it has been classified as a Variant of Uncertain Significance.

NM_000744.7(CHRNA4):c.507del (p.Phe170fs)

Gene: CHRNA4 (cholinergic receptor nicotinic alpha 4 subunit; minus strand). Cytogenetic location: 20q13.33.
Variant type: Deletion.
Coding change: c.507del on transcript NM_000744.7 (MANE Select); coding-DNA position 507, one base deleted (C; older notation c.507delC).
Protein change: p.Phe170fs; shifts the reading frame from phenylalanine 170.
Molecular consequence: frameshift variant. On other transcripts: 5 prime UTR variant (1), non-coding transcript variant (1).
Genome position (GRCh38, 1-based): chr20:63,350,904, G deleted on the plus strand (C on the coding strand, the reverse complement: CHRNA4 is on the minus strand); the first of 4 consecutive G bases (chr20:63,350,904-63,350,907); deleting any one gives the same sequence. VCF-style (leftmost placement, unchanged base first): chr20-63350903-AG-A. GRCh37 (hg19) VCF-style: chr20-61982255-AG-A.
Other names: c.-22del (NM_001256573.2); short protein forms F170fs.
Identifiers: ClinVar variation 1512694 (VCV001512694.6), dbSNP rs1250589502, ClinGen allele CA746456776.